The following is an entry in ClinVar:

NM_000138.5(FBN1):c.4582+1G>A

Gene: FBN1 (fibrillin 1; minus strand). Cytogenetic location: 15q21.1.
Variant type: single nucleotide variant.
Coding change: c.4582+1G>A on transcript NM_000138.5 (MANE Select); the canonical splice donor site of the intron after coding-DNA position 4582, G replaced by A.
Molecular consequence: splice donor variant.
Genome position (GRCh38, 1-based): chr15:48,468,411, C>T on the plus strand (G>A on the coding strand, the complement: FBN1 is on the minus strand). VCF-style: chr15-48468411-C-T. GRCh37 (hg19) VCF-style: chr15-48760608-C-T.
Other names: c.4582+1G>A (NM_001406716.1).
Identifiers: ClinVar variation 850911 (VCV000850911.27), dbSNP rs1555397195, ClinGen allele CA392353269.

ClinVar aggregate classification (germline): Pathogenic/Likely pathogenic. Review status: criteria provided, multiple submitters, no conflicts (2 of 4 stars). 2 submissions from 2 submitters: Pathogenic (1); Likely pathogenic (1). Last evaluated 2026-01-27.

Conditions:
Familial thoracic aortic aneurysm and aortic dissection (TAAD). Also called: Thoracic aortic aneurysms and dissections. Identifiers: Orphanet 91387, MedGen C4707243, MONDO:0019625.
Marfan syndrome (MFS). Also called: FBN1-Related Marfan Syndrome; Marfan's syndrome; MARFAN SYNDROME, TYPE I; Marfan syndrome type 1; Marfan syndrome, classic. Identifiers: Orphanet 284963, Orphanet 558, MedGen C0024796, MONDO:0007947, OMIM 154700.

Allele frequency attached by ClinVar (database versions not stated): gnomAD exomes below 0.00001.
gnomAD v4.1: 1 of 1,613,896 alleles (0.000062%); no homozygotes.

Submissions (2):

Labcorp Genetics (formerly Invitae), Labcorp
Classification: Pathogenic for Marfan syndrome; Familial thoracic aortic aneurysm and aortic dissection. Last evaluated: 2026-01-27. Review status: criteria provided, single submitter. Criteria: Invitae Variant Classification Sherloc (09022015). Collection method: clinical testing. Allele origin: germline.
Comment: This sequence change affects a donor splice site in intron 37 of the FBN1 gene. It is expected to disrupt RNA splicing. Variants that disrupt the donor or acceptor splice site typically lead to a loss of protein function (PMID: 16199547), and loss-of-function variants in FBN1 are known to be pathogenic (PMID: 17657824, 19293843). This variant is not present in population databases (gnomAD no frequency). Disruption of this splice site has been observed in individuals with Marfan syndrome (PMID: 25907466, 26787436, 28941062). ClinVar contains an entry for this variant (Variation ID: 850911). Algorithms developed to predict the effect of sequence changes on RNA splicing suggest that this variant may disrupt the consensus splice site. For these reasons, this variant has been classified as Pathogenic.

Centre of Medical Genetics, University of Antwerp
Classification: Likely pathogenic for Marfan syndrome. Last evaluated: 2021-03-01. Review status: criteria provided, single submitter. Criteria: Submitter's publication. Collection method: research. Allele origin: unknown. Affected: yes.
Comment: PM2, PS7, PP4

Literature cited by the submitters: PubMed 16199547 (cited by Labcorp Genetics (formerly Invitae), Labcorp); PubMed 17657824 (cited by Labcorp Genetics (formerly Invitae), Labcorp); PubMed 19293843 (cited by Labcorp Genetics (formerly Invitae), Labcorp); PubMed 25907466 (cited by Labcorp Genetics (formerly Invitae), Labcorp); PubMed 26787436 (cited by Labcorp Genetics (formerly Invitae), Labcorp); PubMed 28941062 (cited by Labcorp Genetics (formerly Invitae), Labcorp).